The following is an entry in ClinVar:

NM_000061.3(BTK):c.1559G>A (p.Arg520Gln)

Gene: BTK (Bruton tyrosine kinase; minus strand). Cytogenetic location: Xq22.1.
Variant type: single nucleotide variant.
Coding change: c.1559G>A on transcript NM_000061.3 (MANE Select); coding-DNA position 1559, G replaced by A.
Protein change: p.Arg520Gln; replaces arginine 520 with glutamine.
Molecular consequence: missense variant. On other transcripts: intron variant (1).
Genome position (GRCh38, 1-based): chrX:101,356,059, C>T on the plus strand (G>A on the coding strand, the complement: BTK is on the minus strand). VCF-style: chrX-101356059-C-T. GRCh37 (hg19) VCF-style: chrX-100611047-C-T.
Other names: c.1661G>A, p.Arg554Gln (NM_001287344.2); c.1039-1365G>A (NM_001287345.2); short protein forms R520Q, R554Q.
Identifiers: ClinVar variation 11378 (VCV000011378.12), dbSNP rs128621202, ClinGen allele CA255831.

ClinVar aggregate classification (germline): Pathogenic. Review status: criteria provided, multiple submitters, no conflicts (2 of 4 stars). 6 submissions from 6 submitters: Pathogenic (5). 1 of the submissions does not count toward it. Last evaluated 2025-12-24.

Conditions:
BTK-related disorder. Also called: BTK-related condition.
X-linked agammaglobulinemia (XLA). Also called: Agammaglobulinemia, Bruton tyrosine kinase; Agammaglobulinemia, BTK; BTK-deficiency; Bruton's agammaglobulinemia; IMMUNODEFICIENCY 1; AGAMMAGLOBULINEMIA, X-LINKED, TYPE 1. Identifiers: Orphanet 229717, Orphanet 47, MedGen C0221026, MONDO:0010421, OMIM 300755.
X-linked agammaglobulinemia with growth hormone deficiency (IGHD3). Also called: Isolated growth hormone deficiency type 3; Growth hormone deficiency with hypogammaglobulinemia; FLEISHER SYNDROME; HYPOGAMMAGLOBULINEMIA AND ISOLATED GROWTH HORMONE DEFICIENCY, X-LINKED; IGHD III; ISOLATED GROWTH HORMONE DEFICIENCY, TYPE III, WITH AGAMMAGLOBULINEMIA. Identifiers: Orphanet 231692, Orphanet 631, MedGen C0472813, MONDO:0010615, OMIM 307200.

Submissions (6):

3billion
Classification: Pathogenic for X-linked agammaglobulinemia. Last evaluated: 2025-12-24. Review status: criteria provided, single submitter. Criteria: ACMG Guidelines, 2015. Collection method: clinical testing. Allele origin: germline. Affected: yes.
Comment: The variant is not observed in the gnomAD v4.1.0 dataset. Predicted Consequence/Location: Missense variant In silico tool predictions suggest damaging effect of the variant on gene or gene product [REVEL: 0.92 (>=0.6, sensitivity 0.68 and specificity 0.92); 3Cnet: 0.95 (> 0.75, sensitivity 0.96 and precision 0.92)]. The same nucleotide change resulting in the same amino acid change has been previously reported as pathogenic/likely pathogenic with strong evidence (ClinVar ID: VCV000011378 /PMID: 7880320 /3billion dataset). The variant has been observed in at least two similarly affected unrelated individuals (PMID: 12655572, 14974089). Different missense changes at the same codon (p.Arg520Gly, p.Arg520Leu) have been reported to be associated with BTK-related disorder (ClinVar ID: VCV000530948 /PMID: 12655572, 37809070). Therefore, this variant is classified as Pathogenic according to the recommendation of ACMG/AMP guideline.

Labcorp Genetics (formerly Invitae), Labcorp
Classification: Pathogenic for X-linked agammaglobulinemia with growth hormone deficiency. Last evaluated: 2024-12-27. Review status: criteria provided, single submitter. Criteria: Invitae Variant Classification Sherloc (09022015). Collection method: clinical testing. Allele origin: germline.
Comment: This sequence change replaces arginine, which is basic and polar, with glutamine, which is neutral and polar, at codon 520 of the BTK protein (p.Arg520Gln). This variant is not present in population databases (gnomAD no frequency). This missense change has been observed in individuals with X-linked agammaglobulinemia (XLA) (PMID: 7849721, 7880320, 11472359, 12217331, 12655572, 15661032, 18677443, 27980540). It has also been observed to segregate with disease in related individuals. This variant is also known as c.1691G>A. ClinVar contains an entry for this variant (Variation ID: 11378). Invitae Evidence Modeling of protein sequence and biophysical properties (such as structural, functional, and spatial information, amino acid conservation, physicochemical variation, residue mobility, and thermodynamic stability) indicates that this missense variant is expected to disrupt BTK protein function with a positive predictive value of 95%. For these reasons, this variant has been classified as Pathogenic.

Fulgent Genetics
Classification: Pathogenic for X-linked agammaglobulinemia; X-linked agammaglobulinemia with growth hormone deficiency. Last evaluated: 2022-03-28. Review status: criteria provided, single submitter. Criteria: ACMG Guidelines, 2015. Collection method: clinical testing. Allele origin: unknown.

Blueprint Genetics
Classification: Pathogenic for BTK-related disorders. Last evaluated: 2020-02-05. Review status: criteria provided, single submitter. Criteria: ACMG Guidelines, 2015. Collection method: clinical testing. Allele origin: germline. Affected: yes. Observed: 1 variant allele.

Women's Health and Genetics/Laboratory Corporation of America, LabCorp
Classification: Pathogenic for X-linked agammaglobulinemia. Last evaluated: 2019-07-24. Review status: criteria provided, single submitter. Criteria: LabCorp Variant Classification Summary - May 2015. Collection method: clinical testing. Allele origin: germline.
Comment: Variant summary: BTK c.1559G>A (p.Arg520Gln) results in a conservative amino acid change located in the protein kinase domain (IPR000719) of the encoded protein sequence. Four of five in-silico tools predict a damaging effect of the variant on protein function. The variant was absent in 182482 control chromosomes (gnomAD) but has been reported in the literature in multiple individuals affected with X-linked Agammaglobulinemia. In some families it has also been reported to segregate with the disease (Hagemann_1994, Danielian_2003, Zhu_1994, Gaspar_1995, Fiorini_2004). These data indicate that the variant is very likely to be associated with disease. To our knowledge, no experimental evidence demonstrating an impact on protein function has been reported. A ClinVar submission (evaluation after 2014) cites the variant as pathogenic. Based on the evidence outlined above, the variant was classified as pathogenic.

OMIM
Classification: Pathogenic for AGAMMAGLOBULINEMIA, X-LINKED. Last evaluated: 1994-10-01. Review status: no assertion criteria provided. Collection method: literature only. Allele origin: germline. Not counted in ClinVar's aggregate classification.

Literature cited by the submitters: PubMed 12655572 (cited by 3 submitters); PubMed 7880320 (cited by 4 submitters); PubMed 14974089 (cited by 3billion and Women's Health and Genetics/Laboratory Corporation of America, LabCorp); PubMed 7849721 (cited by 3 submitters); PubMed 11472359 (cited by Labcorp Genetics (formerly Invitae), Labcorp); PubMed 12217331 (cited by Labcorp Genetics (formerly Invitae), Labcorp); PubMed 15661032 (cited by Labcorp Genetics (formerly Invitae), Labcorp); PubMed 18677443 (cited by Labcorp Genetics (formerly Invitae), Labcorp); PubMed 27980540 (cited by Labcorp Genetics (formerly Invitae), Labcorp); PubMed 7633429 (cited by Women's Health and Genetics/Laboratory Corporation of America, LabCorp); PubMed 11527964 (cited by Women's Health and Genetics/Laboratory Corporation of America, LabCorp).